The following is an entry in ClinVar:

NM_001164665.2(KIAA1549):c.5627C>G (p.Ser1876Cys)

Gene: KIAA1549 (KIAA1549; minus strand). Cytogenetic location: 7q34.
Variant type: single nucleotide variant.
Coding change: c.5627C>G on transcript NM_001164665.2 (MANE Select); coding-DNA position 5627, C replaced by G.
Protein change: p.Ser1876Cys; replaces serine 1876 with cysteine.
Molecular consequence: missense variant. On other transcripts: intron variant (1).
Genome position (GRCh38, 1-based): chr7:138,838,132, G>C on the plus strand (C>G on the coding strand, the complement: KIAA1549 is on the minus strand). VCF-style: chr7-138838132-G-C. GRCh37 (hg19) VCF-style: chr7-138522877-G-C.
Other names: c.5599-20C>G (NM_020910.3); short protein forms S1876C.
Identifiers: ClinVar variation 1715468 (VCV001715468.5), dbSNP rs946825291, ClinGen allele CA369384201.

ClinVar aggregate classification (germline): Uncertain significance (1 of 4 stars; one submission).

Allele frequency attached by ClinVar (database versions not stated): gnomAD exomes below 0.00001.
gnomAD v4.1: 2 of 1,510,398 alleles (0.00013%); highest among the groups gnomAD compares: Non-Finnish European, 0.00018%; no homozygotes.

Submission:

Labcorp Genetics (formerly Invitae), Labcorp
Classification: Uncertain significance. Last evaluated: 2022-08-07. Review status: criteria provided, single submitter. Criteria: Invitae Variant Classification Sherloc (09022015). Collection method: clinical testing. Allele origin: germline.
Comment: In summary, the available evidence is currently insufficient to determine the role of this variant in disease. Therefore, it has been classified as a Variant of Uncertain Significance. Algorithms developed to predict the effect of missense changes on protein structure and function are either unavailable or do not agree on the potential impact of this missense change (SIFT: "Deleterious"; PolyPhen-2: "Probably Damaging"; Align-GVGD: "Class C0"). This variant has not been reported in the literature in individuals affected with KIAA1549-related conditions. This variant is not present in population databases (gnomAD no frequency). This sequence change replaces serine, which is neutral and polar, with cysteine, which is neutral and slightly polar, at codon 1876 of the KIAA1549 protein (p.Ser1876Cys).